The following is an entry in ClinVar:

ClinVar aggregate classification (germline): Uncertain significance (1 of 4 stars; one submission).

Allele frequency attached by ClinVar (database versions not stated): TOPMed below 0.00001.
gnomAD v4.1: 3 of 1,555,006 alleles (0.00019%); highest among the groups gnomAD compares: Non-Finnish European, 0.00026%; no homozygotes.

Submission:

Labcorp Genetics (formerly Invitae), Labcorp
Classification: Uncertain significance. Last evaluated: 2025-04-14. Review status: criteria provided, single submitter. Criteria: Invitae Variant Classification Sherloc (09022015). Collection method: clinical testing. Allele origin: germline.
Comment: This sequence change replaces arginine, which is basic and polar, with leucine, which is neutral and non-polar, at codon 161 of the BLOC1S3 protein (p.Arg161Leu). This variant is not present in population databases (gnomAD no frequency). This variant has not been reported in the literature in individuals affected with BLOC1S3-related conditions. ClinVar contains an entry for this variant (Variation ID: 1369969). An algorithm developed to predict the effect of missense changes on protein structure and function (PolyPhen-2) suggests that this variant is likely to be disruptive. In summary, the available evidence is currently insufficient to determine the role of this variant in disease. Therefore, it has been classified as a Variant of Uncertain Significance.

NM_212550.5(BLOC1S3):c.482G>T (p.Arg161Leu)

Gene: BLOC1S3 (biogenesis of lysosomal organelles complex 1 subunit 3; plus strand). Cytogenetic location: 19q13.32.
Variant type: single nucleotide variant.
Coding change: c.482G>T on transcript NM_212550.5 (MANE Select); coding-DNA position 482, G replaced by T.
Protein change: p.Arg161Leu; replaces arginine 161 with leucine.
Molecular consequence: missense variant.
Genome position (GRCh38, 1-based): chr19:45,179,778, G>T. VCF-style: chr19-45179778-G-T. GRCh37 (hg19) VCF-style: chr19-45683036-G-T.
Other names: short protein forms R161L.
Identifiers: ClinVar variation 1369969 (VCV001369969.8), dbSNP rs1340330714, ClinGen allele CA406344901.